The following is an entry in ClinVar:

ClinVar aggregate classification (germline): Uncertain significance (1 of 4 stars; one submission).

Submission:

Labcorp Genetics (formerly Invitae), Labcorp
Classification: Uncertain significance. Last evaluated: 2022-10-18. Review status: criteria provided, single submitter. Criteria: Invitae Variant Classification Sherloc (09022015). Collection method: clinical testing. Allele origin: germline.
Comment: This sequence change replaces lysine, which is basic and polar, with asparagine, which is neutral and polar, at codon 244 of the ASAH1 protein (p.Lys244Asn). This variant is not present in population databases (gnomAD no frequency). This variant has not been reported in the literature in individuals affected with ASAH1-related conditions. ClinVar contains an entry for this variant (Variation ID: 1383909). Advanced modeling of protein sequence and biophysical properties (such as structural, functional, and spatial information, amino acid conservation, physicochemical variation, residue mobility, and thermodynamic stability) performed at Invitae indicates that this missense variant is not expected to disrupt ASAH1 protein function. In summary, the available evidence is currently insufficient to determine the role of this variant in disease. Therefore, it has been classified as a Variant of Uncertain Significance.

NM_177924.5(ASAH1):c.732A>C (p.Lys244Asn)

Gene: ASAH1 (N-acylsphingosine amidohydrolase 1; minus strand). Cytogenetic location: 8p22.
Variant type: single nucleotide variant.
Coding change: c.732A>C on transcript NM_177924.5 (MANE Select); coding-DNA position 732, A replaced by C.
Protein change: p.Lys244Asn; replaces lysine 244 with asparagine.
Molecular consequence: missense variant.
Genome position (GRCh38, 1-based): chr8:18,061,430, T>G on the plus strand (A>C on the coding strand, the complement: ASAH1 is on the minus strand). VCF-style: chr8-18061430-T-G. GRCh37 (hg19) VCF-style: chr8-17918939-T-G.
Other names: c.714A>C, p.Lys238Asn (NM_001127505.3); c.537A>C, p.Lys179Asn (NM_001363743.2); c.780A>C, p.Lys260Asn (NM_004315.6); short protein forms K238N, K179N, K260N, K244N.
Identifiers: ClinVar variation 1383909 (VCV001383909.6), dbSNP rs1799694850, ClinGen allele CA370429419.